The following is an entry in ClinVar:

NM_001128425.2(MUTYH):c.200del (p.Gly67fs)

Gene: MUTYH (mutY DNA glycosylase; minus strand). Cytogenetic location: 1p34.1.
Variant type: Deletion.
Coding change: c.200del on transcript NM_001128425.2 (MANE Plus Clinical); coding-DNA position 200, one base deleted (G; older notation c.200delG).
Protein change: p.Gly67fs; shifts the reading frame from glycine 67.
Molecular consequence: frameshift variant. On other transcripts: intron variant (5).
Genome position (GRCh38, 1-based): chr1:45,333,561, C deleted on the plus strand (G on the coding strand, the reverse complement: MUTYH is on the minus strand); the first of 2 consecutive C bases (chr1:45,333,561-45,333,562); deleting either gives the same sequence. VCF-style (leftmost placement, unchanged base first): chr1-45333560-GC-G. GRCh37 (hg19) VCF-style: chr1-45799232-GC-G.
Other names: c.200delG (NM_001128425.1); c.119del, p.Gly40fs (NM_001048172.2, NM_001407071.1, NM_001407078.1 and 2 more transcripts); c.199delG, p.Gly67Alafs (NM_001128425.1); c.161del, p.Gly54fs (NM_001293190.2); c.149del, p.Gly50fs (NM_001293191.2, NM_001407077.1); c.191del, p.Gly64fs (NM_001407069.1, NM_012222.3); c.32del, p.Gly11fs (NM_001407075.1); c.158del, p.Gly53fs (NM_001407083.1, NM_001407085.1); and 3 more; short protein forms G40fs, G50fs, G64fs, G54fs, G67fs, G53fs, G46fs, G11fs.
Identifiers: ClinVar variation 419735 (VCV000419735.23), dbSNP rs746449748, ClinGen allele CA055834.

ClinVar aggregate classification (germline): Pathogenic/Likely pathogenic. Review status: criteria provided, multiple submitters, no conflicts (2 of 4 stars). 8 submissions from 8 submitters: Pathogenic (5); Likely pathogenic (3). Last evaluated 2025-11-05.

Conditions:
Hereditary cancer-predisposing syndrome. Also called: Neoplastic Syndromes, Hereditary; Hereditary Cancer Syndrome; Tumor predisposition; Hereditary neoplastic syndrome. Identifiers: Orphanet 140162, MedGen C0027672, MeSH D009386, MONDO:0015356.
Familial adenomatous polyposis 2. Also called: FAP type 2; COLORECTAL ADENOMATOUS POLYPOSIS, AUTOSOMAL RECESSIVE; MYH-associated polyposis; MUTYH-associated polyposis; Adenomas, multiple colorectal; ADENOMAS, MULTIPLE COLORECTAL, AUTOSOMAL RECESSIVE. Identifiers: Orphanet 220460, Orphanet 247798, MedGen C3272841, MONDO:0012041, OMIM 608456.

Submissions (8):

Labcorp Genetics (formerly Invitae), Labcorp
Classification: Pathogenic for Familial adenomatous polyposis 2. Last evaluated: 2025-11-05. Review status: criteria provided, single submitter. Criteria: Invitae Variant Classification Sherloc (09022015). Collection method: clinical testing. Allele origin: germline.
Comment: This sequence change creates a premature translational stop signal (p.Gly67Alafs*24) in the MUTYH gene. It is expected to result in an absent or disrupted protein product. Loss-of-function variants in MUTYH are known to be pathogenic (PMID: 18534194, 20663686). This variant is present in population databases (rs746449748, gnomAD 0.004%). This variant has not been reported in the literature in individuals affected with MUTYH-related conditions. ClinVar contains an entry for this variant (Variation ID: 419735). RNA analysis performed to evaluate the impact of this premature translational stop signal on mRNA splicing indicates it does not significantly alter splicing (internal data). For these reasons, this variant has been classified as Pathogenic.

Ambry Genetics
Classification: Pathogenic for Hereditary cancer-predisposing syndrome. Last evaluated: 2025-05-20. Review status: criteria provided, single submitter. Criteria: Ambry Variant Classification Scheme 2023. Collection method: clinical testing. Allele origin: germline.
Comment: The c.200delG pathogenic mutation, located in coding exon 3 of the MUTYH gene, results from a deletion of one nucleotide at nucleotide position 200, causing a translational frameshift with a predicted alternate stop codon (p.G67Afs*24). This variant is considered to be rare based on population cohorts in the Genome Aggregation Database (gnomAD). This alteration is expected to result in loss of function by premature protein truncation or nonsense-mediated mRNA decay. As such, this alteration is interpreted as a disease-causing mutation.

All of Us Research Program, National Institutes of Health
Classification: Pathogenic for Familial adenomatous polyposis 2. Last evaluated: 2024-08-06. Review status: criteria provided, single submitter. Criteria: ACMG Guidelines, 2015. Collection method: clinical testing. Allele origin: germline. Inheritance: Autosomal recessive inheritance. Observed: 4 variant alleles, 4 heterozygotes.
Comment: This variant deletes 1 nucleotide in exon 3 of the MUTYH gene, creating a frameshift and premature translation stop signal. This variant is expected to result in an absent or non-functional protein product. To our knowledge, this variant has not been reported in individuals affected with MUTYH-related disorders in the literature. This variant has been identified in 4/250896 chromosomes in the general population by the Genome Aggregation Database (gnomAD). Loss of MUTYH function is a known mechanism of disease. Based on the available evidence, this variant is classified as Pathogenic.

This study involves interpretation of variants in research participants for the purpose of population health screening. Participant phenotype was not available at the time of variant classification. Additional details can be found in publication PMID: 35346344, PMCID: PMC8962531

Quest Diagnostics Nichols Institute San Juan Capistrano
Classification: Likely pathogenic. Last evaluated: 2024-07-30. Review status: criteria provided, single submitter. Criteria: Quest Diagnostics criteria. Collection method: clinical testing. Allele origin: unknown.
Comment: The MUTYH c.200del (p.Gly67Alafs*24) variant alters the translational reading frame of the MUTYH mRNA and is predicted to cause the premature termination of MUTYH protein synthesis. This variant has been reported in the published literature in individuals with low grade glioma (PMIDs: 36451132 (2022), 26689913 (2015)) and Ewing sarcoma (PMID: 34308104 (2021)). The frequency of this variant in the general population, 0.000035 (4/113438 chromosomes (Genome Aggregation Database)), is consistent with pathogenicity. Based on the available information, this variant is classified as likely pathogenic.

Color Diagnostics, LLC DBA Color Health
Classification: Pathogenic for Hereditary cancer-predisposing syndrome. Last evaluated: 2024-05-24. Review status: criteria provided, single submitter. Criteria: ACMG Guidelines, 2015. Collection method: clinical testing. Allele origin: germline.
Comment: This variant deletes 1 nucleotide in exon 3 of the MUTYH gene, creating a frameshift and premature translation stop signal. This variant is expected to result in an absent or non-functional protein product. To our knowledge, this variant has not been reported in individuals affected with MUTYH-related disorders in the literature. This variant has been identified in 4/250896 chromosomes in the general population by the Genome Aggregation Database (gnomAD). Loss of MUTYH function is a known mechanism of disease. Based on the available evidence, this variant is classified as Pathogenic.

Baylor Genetics
Classification: Likely pathogenic for Familial adenomatous polyposis 2. Last evaluated: 2023-05-19. Review status: criteria provided, single submitter. Criteria: ACMG Guidelines, 2015. Collection method: clinical testing. Allele origin: unknown.

Women's Health and Genetics/Laboratory Corporation of America, LabCorp
Classification: Likely pathogenic for MUTYH-associated polyposis. Last evaluated: 2018-11-06. Review status: criteria provided, single submitter. Criteria: LabCorp Variant Classification Summary - May 2015. Collection method: clinical testing. Allele origin: germline.
Comment: Variant summary: MUTYH c.200delG (p.Gly67AlafsX24) results in a premature termination codon, predicted to cause a truncation of the encoded protein or absence of the protein due to nonsense mediated decay, which are commonly known mechanisms for disease. Truncations downstream of this position have been classified as pathogenic by our laboratory (eg. c.289C>T (p.Arg97X), c.312C>A (p.Tyr104X), and c.1147delC (p.Ala385fsX23)). The variant allele was found at a frequency of 1.6e-05 in 245776 control chromosomes (gnomAD). To our knowledge, no occurrence of c.200delG in individuals affected with MUTYH-associated Polyposis and no experimental evidence demonstrating its impact on protein function have been reported. Two ClinVar submissions from clinical diagnostic laboratories (evaluation after 2014) cite the variant as pathogenic. Based on the evidence outlined above, the variant was classified as likely pathogenic.

GeneDx
Classification: Pathogenic. Last evaluated: 2015-08-18. Review status: criteria provided, single submitter. Criteria: GeneDx Variant Classification (06012015). Collection method: clinical testing. Allele origin: germline. Affected: yes.
Comment: This deletion of one nucleotide in MUTYH is denoted c.200delG at the cDNA level and p.Gly67AlafsX24 (G67AfsX24) at the protein level. The normal sequence, with the base that is deleted in braces, is GCAG[G]CCTG. The deletion causes a frameshift, which changes a Glycine to an Alanine at codon 67, and creates a premature stop codon at position 24 of the new reading frame. Although this variant has not, to our knowledge, been reported in the literature, it is predicted to cause loss of normal protein function through either protein truncation or nonsense-mediated mRNA decay. we consider this variant to be pathogenic. The possibility that this patient harbors a second disease-causing MUTYH mutation that is undetectable by this test cannot be excluded. While a single variant in the MUTYH gene has been reported in association with a slightly increased risk for colon cancer, endometrial cancer, and breast cancer, particularly among those with a family history of colorectal cancer (Jenkins 2006, Win 2011, Rennert 2012), there are conflicting data regarding these associations (Santonocito 2011, Out 2012). MUTYH-associated polyposis (MAP) is an autosomal recessive condition caused by two mutations (one affecting each allele) in the MUTYH gene which results in an increased risk for the development of colon cancer and colon polyps. If a MUTYH mutation carrier'spartner is also heterozygous for a MUTYH mutation, the risk to have a child with MAP is 25% with each pregnancy. One study from the UK estimated the overall carrier frequency for any MUTYH mutation to be about 2% (Aretz 2010).

Literature cited by the submitters: PubMed 18534194 (cited by Labcorp Genetics (formerly Invitae), Labcorp); PubMed 20663686 (cited by Labcorp Genetics (formerly Invitae), Labcorp); PubMed 34308104 (cited by Quest Diagnostics Nichols Institute San Juan Capistrano); PubMed 26689913 (cited by Quest Diagnostics Nichols Institute San Juan Capistrano); PubMed 36451132 (cited by Quest Diagnostics Nichols Institute San Juan Capistrano).